The following is an entry in ClinVar:

NM_000057.4(BLM):c.809A>G (p.Glu270Gly)

Gene: BLM (BLM RecQ like helicase; plus strand). Cytogenetic location: 15q26.1.
Variant type: single nucleotide variant.
Coding change: c.809A>G on transcript NM_000057.4 (MANE Select); coding-DNA position 809, A replaced by G.
Protein change: p.Glu270Gly; replaces glutamic acid 270 with glycine.
Molecular consequence: missense variant. On other transcripts: 5 prime UTR variant (1).
Genome position (GRCh38, 1-based): chr15:90,751,796, A>G. VCF-style: chr15-90751796-A-G. GRCh37 (hg19) VCF-style: chr15-91295026-A-G.
Other names: c.809A>G, p.Glu270Gly (NM_001287246.2, NM_001287247.2); c.-483A>G (NM_001287248.2); short protein forms E270G.
Identifiers: ClinVar variation 963479 (VCV000963479.10), dbSNP rs1895690744, ClinGen allele CA393841627.

ClinVar aggregate classification (germline): Uncertain significance (1 of 4 stars; one submission).

Conditions:
Bloom syndrome (BLM). Also called: Bloom-Torre-Machacek syndrome. Identifiers: Orphanet 125, MedGen C0005859, MONDO:0008876, OMIM 210900.

Submission:

Labcorp Genetics (formerly Invitae), Labcorp
Classification: Uncertain significance for Bloom syndrome. Last evaluated: 2020-02-21. Review status: criteria provided, single submitter. Criteria: Invitae Variant Classification Sherloc (09022015). Collection method: clinical testing. Allele origin: germline.
Comment: This sequence change replaces glutamic acid with glycine at codon 270 of the BLM protein (p.Glu270Gly). The glutamic acid residue is weakly conserved and there is a moderate physicochemical difference between glutamic acid and glycine. This variant is not present in population databases (ExAC no frequency). This variant has not been reported in the literature in individuals with BLM-related conditions. Algorithms developed to predict the effect of missense changes on protein structure and function output the following: SIFT: "Tolerated"; PolyPhen-2: "Benign"; Align-GVGD: "Class C0". The glycine amino acid residue is found in multiple mammalian species, suggesting that this missense change does not adversely affect protein function. These predictions have not been confirmed by published functional studies and their clinical significance is uncertain. In summary, the available evidence is currently insufficient to determine the role of this variant in disease. Therefore, it has been classified as a Variant of Uncertain Significance.